The following is an entry in ClinVar:

ClinVar aggregate classification (germline): Uncertain significance. Review status: criteria provided, multiple submitters, no conflicts (2 of 4 stars). 2 submissions from 2 submitters: Uncertain significance (2). Last evaluated 2024-12-23.

Conditions:
Cystic fibrosis (CF). Also called: MUCOVISCIDOSIS. Identifiers: Orphanet 586, MedGen C0010674, MONDO:0009061, OMIM 219700. Disease mechanism: loss of function.

Submissions (2):

Labcorp Genetics (formerly Invitae), Labcorp
Classification: Uncertain significance for Cystic fibrosis. Last evaluated: 2024-12-23. Review status: criteria provided, single submitter. Criteria: Invitae Variant Classification Sherloc (09022015). Collection method: clinical testing. Allele origin: germline.
Comment: This sequence change replaces alanine, which is neutral and non-polar, with threonine, which is neutral and polar, at codon 763 of the CFTR protein (p.Ala763Thr). This variant is not present in population databases (gnomAD no frequency). This variant has not been reported in the literature in individuals affected with CFTR-related conditions. ClinVar contains an entry for this variant (Variation ID: 1468980). Invitae Evidence Modeling of protein sequence and biophysical properties (such as structural, functional, and spatial information, amino acid conservation, physicochemical variation, residue mobility, and thermodynamic stability) indicates that this missense variant is not expected to disrupt CFTR protein function with a negative predictive value of 80%. In summary, the available evidence is currently insufficient to determine the role of this variant in disease. Therefore, it has been classified as a Variant of Uncertain Significance.

Ambry Genetics
Classification: Uncertain significance for Cystic fibrosis. Last evaluated: 2023-07-17. Review status: criteria provided, single submitter. Criteria: Ambry Variant Classification Scheme 2023. Collection method: clinical testing. Allele origin: germline.
Comment: The p.A763T variant (also known as c.2287G>A), located in coding exon 14 of the CFTR gene, results from a G to A substitution at nucleotide position 2287. The alanine at codon 763 is replaced by threonine, an amino acid with similar properties. This amino acid position is poorly conserved in available vertebrate species. In addition, the in silico prediction for this alteration is inconclusive. Since supporting evidence is limited at this time, the clinical significance of this alteration remains unclear.

NM_000492.4(CFTR):c.2287G>A (p.Ala763Thr)

Gene: CFTR (CF transmembrane conductance regulator; plus strand). Cytogenetic location: 7q31.2.
Variant type: single nucleotide variant.
Coding change: c.2287G>A on transcript NM_000492.4 (MANE Select); coding-DNA position 2287, G replaced by A.
Protein change: p.Ala763Thr; replaces alanine 763 with threonine.
Molecular consequence: missense variant.
Genome position (GRCh38, 1-based): chr7:117,592,454, G>A. VCF-style: chr7-117592454-G-A. GRCh37 (hg19) VCF-style: chr7-117232508-G-A.
Other names: short protein forms A763T.
Identifiers: ClinVar variation 1468980 (VCV001468980.8), dbSNP rs2116032836, ClinGen allele CA368980850.